The following is an entry in ClinVar:

NM_004168.4(SDHA):c.468T>G (p.Tyr156Ter)

Gene: SDHA (succinate dehydrogenase complex flavoprotein subunit A; plus strand). Cytogenetic location: 5p15.33.
Variant type: single nucleotide variant.
Coding change: c.468T>G on transcript NM_004168.4 (MANE Select); coding-DNA position 468, T replaced by G.
Protein change: p.Tyr156Ter; replaces tyrosine 156 with a stop codon.
Molecular consequence: nonsense.
Genome position (GRCh38, 1-based): chr5:225,894, T>G. VCF-style: chr5-225894-T-G. GRCh37 (hg19) VCF-style: chr5-226009-T-G.
Other names: c.324T>G, p.Tyr108Ter (NM_001294332.2); c.468T>G, p.Tyr156Ter (NM_001330758.2); short protein forms Y156*, Y108*.
Identifiers: ClinVar variation 857526 (VCV000857526.12), dbSNP rs989318548, ClinGen allele CA359009847.
Genomic context (GRCh38, chr5:225,894, plus strand): 5'-TTGACTCCTTTAAGGTGTTAAGGTTTTTGTTTGTTTTTATCTTTCACAGCTAGAAAATTA[T>G]GGCATGCCGTTTAGCAGAACTGAAGATGGGAAGATTTATCAGCGTGCATTTGGTGGACAG-3'

ClinVar aggregate classification (germline): Pathogenic (1 of 4 stars; one submission).

Conditions:
Mitochondrial complex II deficiency, nuclear type 1. Also called: SUCCINATE CoQ REDUCTASE DEFICIENCY. Identifiers: Orphanet 3208, MedGen C5700310, MONDO:0100294, OMIM 252011.
Pheochromocytoma/paraganglioma syndrome 5. Also called: Paragangliomas 5; SDHA-Related Hereditary Paraganglioma-Pheochromocytoma Syndrome. Identifiers: Orphanet 29072, MedGen C3279992, MONDO:0013602, OMIM 614165.

Submission:

Labcorp Genetics (formerly Invitae), Labcorp
Classification: Pathogenic for Pheochromocytoma/paraganglioma syndrome 5; Mitochondrial complex II deficiency, nuclear type 1. Last evaluated: 2019-12-24. Review status: criteria provided, single submitter. Criteria: Invitae Variant Classification Sherloc (09022015). Collection method: clinical testing. Allele origin: germline.
Comment: This sequence change creates a premature translational stop signal (p.Tyr156*) in the SDHA gene. It is expected to result in an absent or disrupted protein product. This variant has not been reported in the literature in individuals with SDHA-related conditions. Loss-of-function variants in SDHA are known to be pathogenic (PMID: 22974104, 24781757). For these reasons, this variant has been classified as Pathogenic. This variant is not present in population databases (ExAC no frequency).

Literature cited by the submitters: PubMed 22974104; PubMed 24781757.